The following is an entry in ClinVar:

ClinVar aggregate classification (germline): Benign/Likely benign. Review status: criteria provided, multiple submitters, no conflicts (2 of 4 stars). 3 submissions from 3 submitters: Benign (1); Likely benign (2). Last evaluated 2025-12-03.

Conditions:
TREM2-related disorder. Also called: TREM2-related condition.
Polycystic lipomembranous osteodysplasia with sclerosing leukoencephalopathy 2. Also called: TREM2-Related Polycystic Lipomembranous Osteodysplasia with Sclerosing Leukoencephalopathy. Identifiers: MedGen C4748657, MONDO:0020750, OMIM 618193.

Allele frequency attached by ClinVar (database versions not stated): gnomAD 0.00014 and 0.00019; gnomAD exomes 0.00014 and 0.00064; TOPMed 0.00043; ExAC 0.00055; 1000 Genomes Project 30x 0.00078; 1000 Genomes Project 0.00080.

Submissions (3):

Labcorp Genetics (formerly Invitae), Labcorp
Classification: Benign. Last evaluated: 2025-12-03. Review status: criteria provided, single submitter. Criteria: Invitae Variant Classification Sherloc (09022015). Collection method: clinical testing. Allele origin: germline.

PreventionGenetics, part of Exact Sciences
Classification: Likely benign for TREM2-related condition. Last evaluated: 2025-07-28. Review status: criteria provided, single submitter. Criteria: ACMG Guidelines, 2015. Collection method: clinical testing. Allele origin: germline.
Comment: This variant is classified as likely benign based on ACMG/AMP sequence variant interpretation guidelines (Richards et al. 2015 PMID: 25741868, with internal and published modifications).

Illumina Laboratory Services, Illumina
Classification: Likely benign for Polycystic lipomembranous osteodysplasia with sclerosing leukoencephalopathy 2. Last evaluated: 2018-01-12. Review status: criteria provided, single submitter. Criteria: ICSL Variant Classification Criteria 13 December 2019. Collection method: clinical testing. Allele origin: germline.
Comment: This variant was observed in the ICSL laboratory as part of a predisposition screen in an ostensibly healthy population. It had not been previously curated by ICSL or reported in the Human Gene Mutation Database (HGMD: prior to June 1st, 2018), and was therefore a candidate for classification through an automated scoring system. Utilizing variant allele frequency, disease prevalence and penetrance estimates, and inheritance mode, an automated score was calculated to assess if this variant is too frequent to cause the disease. Based on the score and internal cut-off values, a variant classified as likely benign is not then subjected to further curation. The score for this variant resulted in a classification of likely benign for this disease.

NM_018965.4(TREM2):c.*48A>T

Gene: TREM2 (triggering receptor expressed on myeloid cells 2; minus strand). Cytogenetic location: 6p21.1.
Variant type: single nucleotide variant.
Coding change: c.*48A>T on transcript NM_018965.4 (MANE Select); 48 bases downstream of the stop codon, A replaced by T.
Molecular consequence: 3 prime UTR variant. On other transcripts: missense variant (1).
Genome position (GRCh38, 1-based): chr6:41,158,716, T>A on the plus strand (A>T on the coding strand, the complement: TREM2 is on the minus strand). VCF-style: chr6-41158716-T-A. GRCh37 (hg19) VCF-style: chr6-41126454-T-A.
Other names: c.547A>T (NM_001271821.1); c.547A>T, p.Ser183Cys (NM_001271821.2); short protein forms S183C.
Identifiers: ClinVar variation 907356 (VCV000907356.12), dbSNP rs200820365, ClinGen allele CA3798792.